The following is an entry in ClinVar:

NM_001482.3(GATM):c.1241G>A (p.Arg414His)

Gene: GATM (glycine amidinotransferase; minus strand). Cytogenetic location: 15q21.1.
Variant type: single nucleotide variant.
Coding change: c.1241G>A on transcript NM_001482.3 (MANE Select); coding-DNA position 1241, G replaced by A.
Protein change: p.Arg414His; replaces arginine 414 with histidine.
Molecular consequence: missense variant.
Genome position (GRCh38, 1-based): chr15:45,362,140, C>T on the plus strand (G>A on the coding strand, the complement: GATM is on the minus strand). VCF-style: chr15-45362140-C-T. GRCh37 (hg19) VCF-style: chr15-45654338-C-T.
Other names: c.854G>A, p.Arg285His (NM_001321015.2); short protein forms R285H, R414H.
Identifiers: ClinVar variation 2107481 (VCV002107481.4), dbSNP rs1383052173, ClinGen allele CA392254690.
Genomic context (GRCh38, chr15:45,362,140, plus strand): 5'-AGGCCAGCCACAAGCTCCATCAGGCCTGTTCAGTCCAAGTAGGACTGTAAGGTGCCTCGG[C>T]GCCGGACATCGCAGGTCCAGCAATGGAAGCCTCCTCCCAGGGAATTGGCATTACGAATGT-3'
Protein context (NP_001473.1, residues 404-423): GFHCWTCDVR[Arg414His]RGTLQSYLD

ClinVar aggregate classification (germline): Uncertain significance (1 of 4 stars; one submission).

Conditions:
Arginine:glycine amidinotransferase deficiency (CCDS3). Also called: Cerebral creatine deficiency syndrome 3; AGAT deficiency; L-Arginine:Glycine Amidinotransferase (AGAT) Deficiency; L-Arginine:Glycine Amidinotransferase Deficiency; Creatine deficiency syndrome due to AGAT deficiency; GATM deficiency. Identifiers: Orphanet 35704, MedGen C2675179, MONDO:0012996, OMIM 612718.

Allele frequency attached by ClinVar (database versions not stated): gnomAD exomes below 0.00001.

Submission:

Labcorp Genetics (formerly Invitae), Labcorp
Classification: Uncertain significance for Arginine:glycine amidinotransferase deficiency. Last evaluated: 2024-10-23. Review status: criteria provided, single submitter. Criteria: Invitae Variant Classification Sherloc (09022015). Collection method: clinical testing. Allele origin: germline.
Comment: This sequence change replaces arginine, which is basic and polar, with histidine, which is basic and polar, at codon 414 of the GATM protein (p.Arg414His). This variant is not present in population databases (gnomAD no frequency). This variant has not been reported in the literature in individuals affected with GATM-related conditions. ClinVar contains an entry for this variant (Variation ID: 2107481). Invitae Evidence Modeling of protein sequence and biophysical properties (such as structural, functional, and spatial information, amino acid conservation, physicochemical variation, residue mobility, and thermodynamic stability) indicates that this missense variant is expected to disrupt GATM protein function with a positive predictive value of 95%. In summary, the available evidence is currently insufficient to determine the role of this variant in disease. Therefore, it has been classified as a Variant of Uncertain Significance.